The following is an entry in ClinVar:

NM_001130144.3(LTBP3):c.2764A>T (p.Asn922Tyr)

Gene: LTBP3 (latent transforming growth factor beta binding protein 3; minus strand). Cytogenetic location: 11q13.1.
Variant type: single nucleotide variant.
Coding change: c.2764A>T on transcript NM_001130144.3 (MANE Select); coding-DNA position 2764, A replaced by T.
Protein change: p.Asn922Tyr; replaces asparagine 922 with tyrosine.
Molecular consequence: missense variant.
Genome position (GRCh38, 1-based): chr11:65,541,255, T>A on the plus strand (A>T on the coding strand, the complement: LTBP3 is on the minus strand). VCF-style: chr11-65541255-T-A. GRCh37 (hg19) VCF-style: chr11-65308726-T-A.
Other names: c.2413A>T, p.Asn805Tyr (NM_001164266.1); c.2764A>T, p.Asn922Tyr (NM_021070.4); short protein forms N922Y, N805Y.
Identifiers: ClinVar variation 4624000 (VCV004624000.1).

ClinVar aggregate classification (germline): Uncertain significance (1 of 4 stars; one submission).

Conditions:
Inborn genetic diseases. Identifiers: MedGen C0950123, MeSH D030342.

Submission:

Ambry Genetics
Classification: Uncertain significance for Inborn genetic diseases. Last evaluated: 2025-11-04. Review status: criteria provided, single submitter. Criteria: Ambry Variant Classification Scheme 2023. Collection method: clinical testing. Allele origin: germline.
Comment: The p.N922Y variant (also known as c.2764A>T), located in coding exon 20 of the LTBP3 gene, results from an A to T substitution at nucleotide position 2764. The asparagine at codon 922 is replaced by tyrosine, an amino acid with dissimilar properties. This amino acid position is conserved. In addition, the in silico prediction for this alteration is inconclusive. Based on the available evidence, the clinical significance of this variant remains unclear.